The following is an entry in ClinVar:

NM_000051.4(ATM):c.5032G>A (p.Val1678Met)

Gene: ATM (ATM serine/threonine kinase; plus strand). Cytogenetic location: 11q22.3.
Variant type: single nucleotide variant.
Coding change: c.5032G>A on transcript NM_000051.4 (MANE Select); coding-DNA position 5032, G replaced by A.
Protein change: p.Val1678Met; replaces valine 1678 with methionine.
Molecular consequence: missense variant.
Genome position (GRCh38, 1-based): chr11:108,299,740, G>A. VCF-style: chr11-108299740-G-A. GRCh37 (hg19) VCF-style: chr11-108170467-G-A.
Other names: c.5032G>A, p.Val1678Met (NM_001351834.2); short protein forms V1678M.
Identifiers: ClinVar variation 1487509 (VCV001487509.6), dbSNP rs1299754311, ClinGen allele CA382540285.
Genomic context (GRCh38, chr11:108,299,740, plus strand): 5'-TATGACTCTACTGAAATAGAATTTCTATATGTAGAGGCTGTTGGAAGCTGCTTGGGAGAA[G>A]TGGGTCCTATAGATTTCTCTACCATAGCTATACAACATAGTAAAGATGCATCTTATACCA-3'
Protein context (NP_000042.3, residues 1668-1688): LEAVGSCLGE[Val1678Met]GPIDFSTIAI

ClinVar aggregate classification (germline): Conflicting classifications of pathogenicity. Review status: criteria provided, conflicting classifications (1 of 4 stars). 2 submissions from 2 submitters: Uncertain significance (1); Likely benign (1). Last evaluated 2024-07-26.

Conditions:
Ataxia-telangiectasia syndrome (AT). Also called: LOUIS-BAR SYNDROME; Ataxia-telangiectasia; Cerebello-oculocutaneous telangiectasia; Immunodeficiency with ataxia telangiectasia; ATAXIA-TELANGIECTASIA, COMPLEMENTATION GROUP A; ATAXIA-TELANGIECTASIA, FRESNO VARIANT. Identifiers: Orphanet 100, MedGen C0004135, MONDO:0008840, OMIM 208900.
Hereditary cancer-predisposing syndrome. Also called: Neoplastic Syndromes, Hereditary; Tumor predisposition; Hereditary neoplastic syndrome; Hereditary Cancer Syndrome. Identifiers: Orphanet 140162, MedGen C0027672, MeSH D009386, MONDO:0015356.

Allele frequency attached by ClinVar (database versions not stated): gnomAD exomes below 0.00001; gnomAD 0.00001; TOPMed 0.00001.
gnomAD v4.1: 2 of 1,613,780 alleles (0.00012%); highest among the groups gnomAD compares: South Asian, 0.0011%; no homozygotes.

Submissions (2):

Ambry Genetics
Classification: Likely benign for Hereditary cancer-predisposing syndrome. Last evaluated: 2024-07-26. Review status: criteria provided, single submitter. Criteria: Ambry Variant Classification Scheme 2023. Collection method: clinical testing. Allele origin: germline.

Labcorp Genetics (formerly Invitae), Labcorp
Classification: Uncertain significance for Ataxia-telangiectasia syndrome. Last evaluated: 2022-07-21. Review status: criteria provided, single submitter. Criteria: Invitae Variant Classification Sherloc (09022015). Collection method: clinical testing. Allele origin: germline.
Comment: This sequence change replaces valine, which is neutral and non-polar, with methionine, which is neutral and non-polar, at codon 1678 of the ATM protein (p.Val1678Met). This variant is not present in population databases (gnomAD no frequency). This variant has not been reported in the literature in individuals affected with ATM-related conditions. ClinVar contains an entry for this variant (Variation ID: 1487509). Advanced modeling of protein sequence and biophysical properties (such as structural, functional, and spatial information, amino acid conservation, physicochemical variation, residue mobility, and thermodynamic stability) performed at Invitae indicates that this missense variant is not expected to disrupt ATM protein function. In summary, the available evidence is currently insufficient to determine the role of this variant in disease. Therefore, it has been classified as a Variant of Uncertain Significance.